The following is an entry in ClinVar:

NM_000038.6(APC):c.5629G>A (p.Glu1877Lys)

Gene: APC (APC regulator of Wnt signaling pathway; plus strand). Cytogenetic location: 5q22.2.
Variant type: single nucleotide variant.
Coding change: c.5629G>A on transcript NM_000038.6 (MANE Select); coding-DNA position 5629, G replaced by A.
Protein change: p.Glu1877Lys; replaces glutamic acid 1877 with lysine.
Molecular consequence: missense variant. On other transcripts: non-coding transcript variant (2).
Genome position (GRCh38, 1-based): chr5:112,841,223, G>A. VCF-style: chr5-112841223-G-A. GRCh37 (hg19) VCF-style: chr5-112176920-G-A.
Other names: c.5380G>A, p.Glu1794Lys (NM_001407456.1, NM_001407457.1, NM_001407454.1 and 1 more transcripts); c.5326G>A, p.Glu1776Lys (NM_001407458.1, NM_001407459.1, NM_001407460.1 and 1 more transcripts); c.5242G>A, p.Glu1748Lys (NM_001407467.1, NM_001407469.1); c.4780G>A, p.Glu1594Lys (NM_001407470.1, NM_001354906.2); c.4477G>A, p.Glu1493Lys (NM_001407471.1, NM_001407472.1); c.5629G>A, p.Glu1877Lys (NM_001127510.3, NM_001354895.2, NM_001407450.1); c.5575G>A, p.Glu1859Lys (NM_001127511.3); c.5683G>A, p.Glu1895Lys (NM_001354896.2, NM_001407447.1, NM_001407448.1 and 1 more transcripts); and 11 more; short protein forms E1748K, E1776K, E1877K, E1895K, E1751K, E1818K, E1867K, E1493K.
Identifiers: ClinVar variation 4556846 (VCV004556846.1).

ClinVar aggregate classification (germline): Uncertain significance (1 of 4 stars; one submission).

Conditions:
Hereditary cancer-predisposing syndrome. Also called: Tumor predisposition; Hereditary Cancer Syndrome; Hereditary neoplastic syndrome; Neoplastic Syndromes, Hereditary. Identifiers: Orphanet 140162, MedGen C0027672, MeSH D009386, MONDO:0015356.

gnomAD v4.1: 1 of 1,613,844 alleles (0.000062%); highest among the groups gnomAD compares: Non-Finnish European, 0.000085%; no homozygotes.

Submission:

Ambry Genetics
Classification: Uncertain significance for Hereditary cancer-predisposing syndrome. Last evaluated: 2025-10-22. Review status: criteria provided, single submitter. Criteria: Ambry Variant Classification Scheme 2023. Collection method: clinical testing. Allele origin: germline.
Comment: The p.E1877K variant (also known as c.5629G>A), located in coding exon 15 of the APC gene, results from a G to A substitution at nucleotide position 5629. The glutamic acid at codon 1877 is replaced by lysine, an amino acid with similar properties. This amino acid position is conserved. In addition, in silico predictors for this gene do not accurately predict pathogenicity. Based on the available evidence, the clinical significance of this variant remains unclear.